The following is an entry in ClinVar:

ClinVar aggregate classification (germline): Uncertain significance (1 of 4 stars; one submission).

Conditions:
Inborn genetic diseases. Identifiers: MedGen C0950123, MeSH D030342.

gnomAD v4.1: 3 of 1,614,084 alleles (0.00019%); highest among the groups gnomAD compares: East Asian, 0.0022%; no homozygotes.

Submission:

Ambry Genetics
Classification: Uncertain significance for Inborn genetic diseases. Last evaluated: 2025-03-30. Review status: criteria provided, single submitter. Criteria: Ambry Variant Classification Scheme 2023. Collection method: clinical testing. Allele origin: germline.
Comment: The p.S559A variant (also known as c.1675T>G), located in coding exon 7 of the SH2B3 gene, results from a T to G substitution at nucleotide position 1675. The serine at codon 559 is replaced by alanine, an amino acid with similar properties. This amino acid position is conserved. In addition, this alteration is predicted to be tolerated by in silico analysis. Based on the available evidence, the clinical significance of this variant remains unclear.

NM_005475.3(SH2B3):c.1675T>G (p.Ser559Ala)

Gene: SH2B3 (SH2B adaptor protein 3; plus strand). Cytogenetic location: 12q24.12.
Variant type: single nucleotide variant.
Coding change: c.1675T>G on transcript NM_005475.3 (MANE Select); coding-DNA position 1675, T replaced by G.
Protein change: p.Ser559Ala; replaces serine 559 with alanine.
Molecular consequence: missense variant.
Genome position (GRCh38, 1-based): chr12:111,448,249, T>G. VCF-style: chr12-111448249-T-G. GRCh37 (hg19) VCF-style: chr12-111886053-T-G.
Other names: c.1069T>G, p.Ser357Ala (NM_001291424.1); short protein forms S357A, S559A.
Identifiers: ClinVar variation 3953404 (VCV003953404.1).